The following is an entry in ClinVar:

ClinVar aggregate classification (germline): Pathogenic. Review status: criteria provided, multiple submitters, no conflicts (2 of 4 stars). 2 submissions from 2 submitters: Pathogenic (2). Last evaluated 2023-12-20.

Conditions:
Leber congenital amaurosis 10 (LCA10). Identifiers: Orphanet 65, MedGen C1857821, MONDO:0012723, OMIM 611755.
Retinal dystrophy. Also called: Inherited retinal dystrophy. Identifiers: Orphanet 71862, MedGen C0854723, MeSH D058499, MONDO:0019118, HP:0000556.

Submissions (2):

3billion
Classification: Pathogenic for Leber congenital amaurosis 10. Last evaluated: 2023-12-20. Review status: criteria provided, single submitter. Criteria: ACMG Guidelines, 2015. Collection method: clinical testing. Allele origin: germline. Affected: yes.
Comment: The variant is not observed in the gnomAD v2.1.1 dataset. Predicted Consequence/Location: Stop-gained (nonsense): predicted to result in a loss or disruption of normal protein function through nonsense-mediated decay (NMD) or protein truncation. Multiple pathogenic variants are reported downstream of the variant. The variant has been reported to be associated with CEP290 related disorder (PMID: 30543658). Therefore, this variant is classified as Pathogenic according to the recommendation of ACMG/AMP guideline.

Institute of Human Genetics, Univ. Regensburg, Univ. Regensburg
Classification: Pathogenic for Retinal dystrophy. Last evaluated: 2019-01-01. Review status: criteria provided, single submitter. Criteria: ACMG Guidelines, 2015. Collection method: clinical testing. Allele origin: germline. Affected: yes.

Literature cited by the submitters: PubMed 30543658 (cited by 3billion and Institute of Human Genetics, Univ. Regensburg, Univ. Regensburg).

NM_025114.4(CEP290):c.982C>T (p.Gln328Ter)

Gene: CEP290 (centrosomal protein 290; minus strand). Cytogenetic location: 12q21.32.
Variant type: single nucleotide variant.
Coding change: c.982C>T on transcript NM_025114.4 (MANE Select); coding-DNA position 982, C replaced by T.
Protein change: p.Gln328Ter; replaces glutamine 328 with a stop codon.
Molecular consequence: nonsense.
Genome position (GRCh38, 1-based): chr12:88,126,399, G>A on the plus strand (C>T on the coding strand, the complement: CEP290 is on the minus strand). VCF-style: chr12-88126399-G-A. GRCh37 (hg19) VCF-style: chr12-88520176-G-A.
Other names: short protein forms Q328*.
Identifiers: ClinVar variation 3250345 (VCV003250345.2).